The following is an entry in ClinVar:

Conditions:
Breast-ovarian cancer, familial, susceptibility to, 1 (BROVCA1). Also called: BRCA1 Hereditary Breast and Ovarian Cancer; OVARIAN CANCER, SUSCEPTIBILITY TO. Identifiers: Orphanet 145, MedGen C2676676, MONDO:0011450, OMIM 604370. Disease mechanism: loss of function.

Submission:

Brotman Baty Institute, University of Washington
No classification provided (evidence only). Condition: Breast-ovarian cancer, familial 1. Review status: no classification provided. Collection method: in vitro. Allele origin: not applicable. Functional consequence: functionally_normal.
ClinVar note: "not provided" was previously submitted as the classification for the variant. However, the classification appeared to be based only on an observation of functional data so it was converted to no classification on 2025-07-30.

NM_007294.4(BRCA1):c.5016C>A (p.His1672Gln)

Gene: BRCA1 (BRCA1 DNA repair associated; minus strand). Cytogenetic location: 17q21.31.
Variant type: single nucleotide variant.
Coding change: c.5016C>A on transcript NM_007294.4 (MANE Select); coding-DNA position 5016, C replaced by A.
Protein change: p.His1672Gln; replaces histidine 1672 with glutamine.
Molecular consequence: missense variant. On other transcripts: non-coding transcript variant (1).
Genome position (GRCh38, 1-based): chr17:43,067,666, G>T on the plus strand (C>A on the coding strand, the complement: BRCA1 is on the minus strand). VCF-style: chr17-43067666-G-T. GRCh37 (hg19) VCF-style: chr17-41219683-G-T.
Other names: c.4803C>A, p.His1601Gln (NM_001407571.1, NM_001407895.1, NM_001407896.1 and 12 more transcripts); c.5082C>A, p.His1694Gln (NM_001407581.1, NM_001407582.1); c.5079C>A, p.His1693Gln (NM_001407583.1, NM_001407585.1, NM_001407587.1 and 1 more transcripts); c.5076C>A, p.His1692Gln (NM_001407590.1, NM_001407591.1); c.5016C>A, p.His1672Gln (NM_001407593.1, NM_001407594.1, NM_001407596.1 and 8 more transcripts); c.5013C>A, p.His1671Gln (NM_001407610.1, NM_001407611.1, NM_001407612.1 and 17 more transcripts); c.5010C>A, p.His1670Gln (NM_001407627.1, NM_001407628.1, NM_001407629.1 and 14 more transcripts); c.5007C>A, p.His1669Gln (NM_001407644.1, NM_001407645.1); and 70 more; short protein forms H1693Q, H568Q, H1625Q, H1672Q, H1503Q, H1544Q, H1624Q, H1628Q.
Identifiers: ClinVar variation 868928 (VCV000868928.3), dbSNP rs2052180111, ClinGen allele CA10591485.